The following is an entry in ClinVar:

NM_001290043.2(TAP2):c.400A>G (p.Asn134Asp)

Gene: TAP2 (transporter 2, ATP binding cassette subfamily B member; minus strand). Cytogenetic location: 6p21.32.
Variant type: single nucleotide variant.
Coding change: c.400A>G on transcript NM_001290043.2 (MANE Select); coding-DNA position 400, A replaced by G.
Protein change: p.Asn134Asp; replaces asparagine 134 with aspartic acid.
Molecular consequence: missense variant.
Genome position (GRCh38, 1-based): chr6:32,837,834, T>C on the plus strand (A>G on the coding strand, the complement: TAP2 is on the minus strand). VCF-style: chr6-32837834-T-C. GRCh37 (hg19) VCF-style: chr6-32805611-T-C.
Other names: c.400A>G, p.Asn134Asp (NM_000544.3, NM_018833.3); short protein forms N134D.
Identifiers: ClinVar variation 948812 (VCV000948812.6), dbSNP rs376051965, ClinGen allele CA3746168.

ClinVar aggregate classification (germline): Uncertain significance. Review status: criteria provided, multiple submitters, no conflicts (2 of 4 stars). 2 submissions from 2 submitters: Uncertain significance (2). Last evaluated 2024-06-26.

Conditions:
Inborn genetic diseases. Identifiers: MedGen C0950123, MeSH D030342.
MHC class I deficiency. Identifiers: Orphanet 34592, MedGen C6024714, MONDO:0011476.

Allele frequency attached by ClinVar (database versions not stated): TOPMed 0.00007; ExAC 0.00008; gnomAD exomes 0.00006; ESP Exome Variant Server 0.00012.
gnomAD v4.1: 98 of 1,613,690 alleles (0.0061%); highest among the groups gnomAD compares: Middle Eastern, 0.066%; no homozygotes.

Submissions (2):

Ambry Genetics
Classification: Uncertain significance for Inborn genetic diseases. Last evaluated: 2024-06-26. Review status: criteria provided, single submitter. Criteria: Ambry Variant Classification Scheme 2023. Collection method: clinical testing. Allele origin: germline.

Labcorp Genetics (formerly Invitae), Labcorp
Classification: Uncertain significance for MHC class I deficiency 1. Last evaluated: 2022-09-07. Review status: criteria provided, single submitter. Criteria: Invitae Variant Classification Sherloc (09022015). Collection method: clinical testing. Allele origin: germline.
Comment: This sequence change replaces asparagine, which is neutral and polar, with aspartic acid, which is acidic and polar, at codon 134 of the TAP2 protein (p.Asn134Asp). This variant is present in population databases (rs376051965, gnomAD 0.01%). This variant has not been reported in the literature in individuals affected with TAP2-related conditions. ClinVar contains an entry for this variant (Variation ID: 948812). Algorithms developed to predict the effect of missense changes on protein structure and function are either unavailable or do not agree on the potential impact of this missense change (SIFT: "Deleterious"; PolyPhen-2: "Not Available"; Align-GVGD: "Class C0"). In summary, the available evidence is currently insufficient to determine the role of this variant in disease. Therefore, it has been classified as a Variant of Uncertain Significance.